The following is an entry in ClinVar:

ClinVar aggregate classification (germline): Uncertain significance (1 of 4 stars; one submission).

Conditions:
Kleefstra syndrome 1 (KLEFS1). Identifiers: Orphanet 261494, MedGen C0795833, MONDO:0027407, OMIM 610253.

Submission:

Labcorp Genetics (formerly Invitae), Labcorp
Classification: Uncertain significance for Kleefstra syndrome 1. Last evaluated: 2023-01-19. Review status: criteria provided, single submitter. Criteria: Invitae Variant Classification Sherloc (09022015). Collection method: clinical testing. Allele origin: germline.
Comment: In summary, the available evidence is currently insufficient to determine the role of this variant in disease. Therefore, it has been classified as a Variant of Uncertain Significance. Advanced modeling of protein sequence and biophysical properties (such as structural, functional, and spatial information, amino acid conservation, physicochemical variation, residue mobility, and thermodynamic stability) performed at Invitae indicates that this missense variant is expected to disrupt EHMT1 protein function. This variant has not been reported in the literature in individuals affected with EHMT1-related conditions. This variant is not present in population databases (gnomAD no frequency). This sequence change replaces cysteine, which is neutral and slightly polar, with tyrosine, which is neutral and polar, at codon 1045 of the EHMT1 protein (p.Cys1045Tyr).

NM_024757.5(EHMT1):c.3134G>A (p.Cys1045Tyr)

Gene: EHMT1 (euchromatic histone lysine methyltransferase 1; plus strand). Cytogenetic location: 9q34.3.
Variant type: single nucleotide variant.
Coding change: c.3134G>A on transcript NM_024757.5 (MANE Select); coding-DNA position 3134, G replaced by A.
Protein change: p.Cys1045Tyr; replaces cysteine 1045 with tyrosine.
Molecular consequence: missense variant.
Genome position (GRCh38, 1-based): chr9:137,813,484, G>A. VCF-style: chr9-137813484-G-A. GRCh37 (hg19) VCF-style: chr9-140707936-G-A.
Other names: c.3113G>A, p.Cys1038Tyr (NM_001354263.2); short protein forms C1045Y, C1038Y.
Identifiers: ClinVar variation 2830158 (VCV002830158.3), dbSNP rs2538662519, ClinGen allele CA375794392.